The following is an entry in ClinVar:

ClinVar aggregate classification (germline): Uncertain significance (0 of 4 stars; one submission).

Conditions:
SETX-related disorder. Also called: SETX-related condition; SETX-related disorders. Identifiers: MedGen CN239403.

gnomAD v4.1: 4 of 1,613,488 alleles (0.00025%); highest among the groups gnomAD compares: Non-Finnish European, 0.00034%; no homozygotes.

Submission:

PreventionGenetics, part of Exact Sciences
Classification: Uncertain significance for SETX-related condition. Last evaluated: 2024-07-31. Review status: no assertion criteria provided. Collection method: clinical testing. Allele origin: germline.
Comment: The SETX c.514A>G variant is predicted to result in the amino acid substitution p.Ile172Val. To our knowledge, this variant has not been reported in the literature or in a large population database, indicating this variant is rare. At this time, the clinical significance of this variant is uncertain due to the absence of conclusive functional and genetic evidence.

NM_015046.7(SETX):c.514A>G (p.Ile172Val)

Gene: SETX (senataxin; minus strand). Cytogenetic location: 9q34.13.
Variant type: single nucleotide variant.
Coding change: c.514A>G on transcript NM_015046.7 (MANE Select); coding-DNA position 514, A replaced by G.
Protein change: p.Ile172Val; replaces isoleucine 172 with valine.
Molecular consequence: missense variant.
Genome position (GRCh38, 1-based): chr9:132,336,500, T>C on the plus strand (A>G on the coding strand, the complement: SETX is on the minus strand). VCF-style: chr9-132336500-T-C. GRCh37 (hg19) VCF-style: chr9-135211887-T-C.
Other names: c.514A>G, p.Ile172Val (NM_001351527.2, NM_001351528.2); short protein forms I172V.
Identifiers: ClinVar variation 3344839 (VCV003344839.1).